The following is an entry in ClinVar:

ClinVar aggregate classification (germline): Uncertain significance. Review status: criteria provided, multiple submitters, no conflicts (2 of 4 stars). 2 submissions from 2 submitters: Uncertain significance (2). Last evaluated 2025-10-12.

Conditions:
Hypertrophic cardiomyopathy. Also called: HYPERTROPHIC MYOCARDIOPATHY. Identifiers: Orphanet 217569, MedGen C0007194, MeSH D002312, MONDO:0005045, HP:0001639.
Cardiomyopathy (CMYO). Also called: Cardiomyopathies. Identifiers: Orphanet 167848, MedGen C0878544, MONDO:0004994, HP:0001638. Inheritance: Various modes of inheritance.

Submissions (2):

Color Diagnostics, LLC DBA Color Health
Classification: Uncertain significance for Cardiomyopathy. Last evaluated: 2025-10-12. Review status: criteria provided, single submitter. Criteria: ACMG Guidelines, 2015. Collection method: clinical testing. Allele origin: germline.
Comment: This missense variant replaces glutamine with histidine at codon 1061 of the MYBPC3 protein. Computational prediction suggests that this variant may not impact protein structure and function. To our knowledge, functional studies have not been reported for this variant. This variant has not been reported in individuals affected with MYBPC3-related disorders in the literature. This variant has not been identified in the general population by the Genome Aggregation Database (gnomAD). The available evidence is insufficient to determine the role of this variant in disease conclusively. Therefore, this variant is classified as a Variant of Uncertain Significance.

All of Us Research Program, National Institutes of Health
Classification: Uncertain significance for Hypertrophic cardiomyopathy. Last evaluated: 2023-08-15. Review status: criteria provided, single submitter. Criteria: ACMG Guidelines, 2015. Collection method: clinical testing. Allele origin: germline. Inheritance: Autosomal dominant inheritance. Observed: 1 variant allele, 1 heterozygote.
Comment: This study involves interpretation of variants in research participants for the purpose of population health screening. Participant phenotype was not available at the time of variant classification. Additional details can be found in publication PMID: 35346344, PMCID: PMC8962531

NM_000256.3(MYBPC3):c.3183G>C (p.Gln1061His)

Gene: MYBPC3 (myosin binding protein C3; minus strand). Cytogenetic location: 11p11.2.
Variant type: single nucleotide variant.
Coding change: c.3183G>C on transcript NM_000256.3 (MANE Select); coding-DNA position 3183, G replaced by C.
Protein change: p.Gln1061His; replaces glutamine 1061 with histidine.
Molecular consequence: missense variant.
Genome position (GRCh38, 1-based): chr11:47,333,564, C>G on the plus strand (G>C on the coding strand, the complement: MYBPC3 is on the minus strand). VCF-style: chr11-47333564-C-G. GRCh37 (hg19) VCF-style: chr11-47355115-C-G.
Other names: short protein forms Q1061H.
Identifiers: ClinVar variation 3072294 (VCV003072294.2), dbSNP rs2495741321, ClinGen allele CA380314630.